The following is an entry in ClinVar:

ClinVar aggregate classification (germline): Uncertain significance (1 of 4 stars; one submission).

Conditions:
Deficiency of alpha-mannosidase (MANSA). Also called: Alpha-Mannosidosis; Mannosidosis, alpha-, types I and II; LYSOSOMAL ALPHA-D-MANNOSIDASE DEFICIENCY. Identifiers: Orphanet 61, MedGen C0024748, MONDO:0009561, OMIM 248500.

Allele frequency attached by ClinVar (database versions not stated): TOPMed below 0.00001; gnomAD 0.00001.
gnomAD v4.1: 2 of 1,598,714 alleles (0.00013%); highest among the groups gnomAD compares: Non-Finnish European, 0.00017%; no homozygotes.

Submission:

Labcorp Genetics (formerly Invitae), Labcorp
Classification: Uncertain significance for Deficiency of alpha-mannosidase. Last evaluated: 2022-08-09. Review status: criteria provided, single submitter. Criteria: Invitae Variant Classification Sherloc (09022015). Collection method: clinical testing. Allele origin: germline.
Comment: In summary, the available evidence is currently insufficient to determine the role of this variant in disease. Therefore, it has been classified as a Variant of Uncertain Significance. Algorithms developed to predict the effect of sequence changes on RNA splicing suggest that this variant may disrupt the consensus splice site. Algorithms developed to predict the effect of missense changes on protein structure and function are either unavailable or do not agree on the potential impact of this missense change (SIFT: "Deleterious"; PolyPhen-2: "Benign"; Align-GVGD: "Class C0"). ClinVar contains an entry for this variant (Variation ID: 1396382). This variant has not been reported in the literature in individuals affected with MAN2B1-related conditions. This variant is not present in population databases (gnomAD no frequency). This sequence change replaces valine, which is neutral and non-polar, with phenylalanine, which is neutral and non-polar, at codon 474 of the MAN2B1 protein (p.Val474Phe).

NM_000528.4(MAN2B1):c.1420G>T (p.Val474Phe)

Gene: MAN2B1 (mannosidase alpha class 2B member 1; minus strand). Cytogenetic location: 19p13.13.
Variant type: single nucleotide variant.
Coding change: c.1420G>T on transcript NM_000528.4 (MANE Select); coding-DNA position 1420, G replaced by T.
Protein change: p.Val474Phe; replaces valine 474 with phenylalanine.
Molecular consequence: missense variant.
Genome position (GRCh38, 1-based): chr19:12,657,056, C>A on the plus strand (G>T on the coding strand, the complement: MAN2B1 is on the minus strand). VCF-style: chr19-12657056-C-A. GRCh37 (hg19) VCF-style: chr19-12767870-C-A.
Other names: c.1417G>T, p.Val473Phe (NM_001173498.2); short protein forms V473F, V474F.
Identifiers: ClinVar variation 1396382 (VCV001396382.4), dbSNP rs1276104443, ClinGen allele CA404246536.